The following is an entry in ClinVar:

NM_001142800.2(EYS):c.1267G>A (p.Glu423Lys)

Gene: EYS (EGF-like photoreceptor maintenance factor; minus strand). Cytogenetic location: 6q12.
Variant type: single nucleotide variant.
Coding change: c.1267G>A on transcript NM_001142800.2 (MANE Select); coding-DNA position 1267, G replaced by A.
Protein change: p.Glu423Lys; replaces glutamic acid 423 with lysine.
Molecular consequence: missense variant.
Genome position (GRCh38, 1-based): chr6:65,384,418, C>T on the plus strand (G>A on the coding strand, the complement: EYS is on the minus strand). VCF-style: chr6-65384418-C-T. GRCh37 (hg19) VCF-style: chr6-66094311-C-T.
Other names: c.1267G>A, p.Glu423Lys (NM_001142801.2, NM_001292009.2, NM_198283.2); short protein forms E423K.
Identifiers: ClinVar variation 1054343 (VCV001054343.9), dbSNP rs376209811, ClinGen allele CA3877805.

ClinVar aggregate classification (germline): Uncertain significance (1 of 4 stars; one submission).

Allele frequency attached by ClinVar (database versions not stated): gnomAD 0.00001; ESP Exome Variant Server 0.00008.

Submission:

Labcorp Genetics (formerly Invitae), Labcorp
Classification: Uncertain significance. Last evaluated: 2022-06-13. Review status: criteria provided, single submitter. Criteria: Invitae Variant Classification Sherloc (09022015). Collection method: clinical testing. Allele origin: germline.
Comment: This sequence change replaces glutamic acid, which is acidic and polar, with lysine, which is basic and polar, at codon 423 of the EYS protein (p.Glu423Lys). In summary, the available evidence is currently insufficient to determine the role of this variant in disease. Therefore, it has been classified as a Variant of Uncertain Significance. Algorithms developed to predict the effect of missense changes on protein structure and function (SIFT, PolyPhen-2, Align-GVGD) all suggest that this variant is likely to be tolerated. ClinVar contains an entry for this variant (Variation ID: 1054343). This variant has not been reported in the literature in individuals affected with EYS-related conditions. This variant is present in population databases (rs376209811, gnomAD 0.007%).